The following is an entry in ClinVar:

NM_000310.4(PPT1):c.56_57delinsCT (p.Cys19Ser)

Gene: PPT1 (palmitoyl-protein thioesterase 1; minus strand). Cytogenetic location: 1p34.2.
Variant type: Indel.
Coding change: c.56_57delinsCT on transcript NM_000310.4 (MANE Select); coding-DNA positions 56 to 57, GC replaced by CT.
Protein change: p.Cys19Ser; replaces cysteine 19 with serine.
Molecular consequence: missense variant.
Genome position (GRCh38, 1-based): chr1:40,097,182-40,097,183, GC replaced by AG on the plus strand (GC replaced by CT on the coding strand, the reverse complement: PPT1 is on the minus strand). VCF-style: chr1-40097182-GC-AG. GRCh37 (hg19) VCF-style: chr1-40562854-GC-AG.
Other names: c.56_57delinsCT, p.Cys19Ser (NM_001142604.2, NM_001363695.2); short protein forms C19S.
Identifiers: ClinVar variation 2095308 (VCV002095308.4), dbSNP rs2523709635, ClinGen allele CA2580062751.

ClinVar aggregate classification (germline): Uncertain significance (1 of 4 stars; one submission).

Conditions:
Neuronal ceroid lipofuscinosis 1 (CLN1). Also called: CEROID LIPOFUSCINOSIS, NEURONAL, 1, VARIABLE AGE AT ONSET; PPT1-Related Neuronal Ceroid-Lipofuscinosis. Identifiers: Orphanet 228329, MedGen C1850451, MONDO:0009744, OMIM 256730.

Submission:

Labcorp Genetics (formerly Invitae), Labcorp
Classification: Uncertain significance for Neuronal ceroid lipofuscinosis 1. Last evaluated: 2024-10-23. Review status: criteria provided, single submitter. Criteria: Invitae Variant Classification Sherloc (09022015). Collection method: clinical testing. Allele origin: germline.
Comment: This sequence change replaces cysteine, which is neutral and slightly polar, with serine, which is neutral and polar, at codon 19 of the PPT1 protein (p.Cys19Ser). Information on the frequency of this variant in the gnomAD database is not available, as this variant may be reported differently in the database. This variant has not been reported in the literature in individuals affected with PPT1-related conditions. ClinVar contains an entry for this variant (Variation ID: 2095308). An algorithm developed to predict the effect of missense changes on protein structure and function (PolyPhen-2) suggests that this variant is likely to be tolerated. In summary, the available evidence is currently insufficient to determine the role of this variant in disease. Therefore, it has been classified as a Variant of Uncertain Significance.